The following is an entry in ClinVar:

ClinVar aggregate classification (germline): Likely pathogenic. Review status: criteria provided, multiple submitters, no conflicts (2 of 4 stars). 2 submissions from 2 submitters: Likely pathogenic (2). Last evaluated 2025-07-21.

Conditions:
Hereditary cancer-predisposing syndrome. Also called: Tumor predisposition; Neoplastic Syndromes, Hereditary; Hereditary Cancer Syndrome; Hereditary neoplastic syndrome. Identifiers: Orphanet 140162, MedGen C0027672, MeSH D009386, MONDO:0015356.
Birt-Hogg-Dube syndrome. Also called: Birt Hogg Dubé syndrome. Identifiers: Orphanet 122, MedGen C0346010, MONDO:0800444.

Submissions (2):

Labcorp Genetics (formerly Invitae), Labcorp
Classification: Likely pathogenic for Birt-Hogg-Dube syndrome. Last evaluated: 2025-07-21. Review status: criteria provided, single submitter. Criteria: Invitae Variant Classification Sherloc (09022015). Collection method: clinical testing. Allele origin: germline.
Comment: This sequence change affects a donor splice site in intron 10 of the FLCN gene. It is expected to disrupt RNA splicing. Variants that disrupt the donor or acceptor splice site typically lead to a loss of protein function (PMID: 16199547), and loss-of-function variants in FLCN are known to be pathogenic (PMID: 15852235). This variant is not present in population databases (gnomAD no frequency). Disruption of this splice site has been observed in individual(s) with FLCN-related conditions (PMID: 35988656). ClinVar contains an entry for this variant (Variation ID: 485617). Algorithms developed to predict the effect of sequence changes on RNA splicing suggest that this variant may disrupt the consensus splice site. In summary, the currently available evidence indicates that the variant is pathogenic, but additional data are needed to prove that conclusively. Therefore, this variant has been classified as Likely Pathogenic.

Ambry Genetics
Classification: Likely pathogenic for Hereditary cancer-predisposing syndrome. Last evaluated: 2016-08-18. Review status: criteria provided, single submitter. Criteria: Ambry Variant Classification Scheme 2023. Collection method: clinical testing. Allele origin: germline.
Comment: The c.1176+1G>T intronic variant results from a G to T substitution one nucleotide after coding exon 7 of the FLCN gene. This variant was not reported in population based cohorts in the following databases: Database of Single Nucleotide Polymorphisms (dbSNP), NHLBI Exome Sequencing Project (ESP), and 1000 Genomes Project. In the ESP, this variant was not observed in 6503 samples (13006 alleles) with coverage at this position. To date, this alteration has been detected with an allele frequency of approximately 0.006% (greater than 20000 alleles tested) in our clinical cohort. This nucleotide position is highly conserved in available vertebrate species. Using the BDGP and ESEfinder splice site prediction tools, this alteration is predicted to abolish the native splice donor site; however, direct evidence is unavailable. Alterations that disrupt the canonical splice site are expected to cause aberrant splicing, resulting in an abnormal protein or a transcript that is subject to nonsense-mediated mRNA decay. As such, this alteration is classified as likely pathogenic.

Literature cited by the submitters: PubMed 16199547 (cited by Labcorp Genetics (formerly Invitae), Labcorp); PubMed 15852235 (cited by Labcorp Genetics (formerly Invitae), Labcorp); PubMed 35988656 (cited by Labcorp Genetics (formerly Invitae), Labcorp).

NM_144997.7(FLCN):c.1176+1G>T

Gene: FLCN (folliculin; minus strand). Cytogenetic location: 17p11.2.
Variant type: single nucleotide variant.
Coding change: c.1176+1G>T on transcript NM_144997.7 (MANE Select); the canonical splice donor site of the intron after coding-DNA position 1176, G replaced by T.
Molecular consequence: splice donor variant.
Genome position (GRCh38, 1-based): chr17:17,217,068, C>A on the plus strand (G>T on the coding strand, the complement: FLCN is on the minus strand). VCF-style: chr17-17217068-C-A. GRCh37 (hg19) VCF-style: chr17-17120382-C-A.
Other names: c.1176+1G>T (NM_001353231.2, NM_001353230.2); c.1230+1G>T (NM_001353229.2).
Identifiers: ClinVar variation 485617 (VCV000485617.6), dbSNP rs1555607929, ClinGen allele CA398532087.